The following is an entry in ClinVar:

ClinVar aggregate classification (germline): Uncertain significance. Review status: criteria provided, multiple submitters, no conflicts (2 of 4 stars). 3 submissions from 3 submitters: Uncertain significance (3). Last evaluated 2026-07-21.

Conditions:
Majeed syndrome (MJDS). Also called: CHRONIC RECURRENT MULTIFOCAL OSTEOMYELITIS 1, WITH CONGENITAL DYSERYTHROPOIETIC ANEMIA, WITH OR WITHOUT NEUTROPHILIC DERMATOSIS; LPIN2-Related Majeed Syndrome. Identifiers: Orphanet 77297, MedGen C1864997, MONDO:0012316, OMIM 609628.

Allele frequency attached by ClinVar (database versions not stated): TOPMed 0.00005; ExAC 0.00002; gnomAD exomes 0.00002.
gnomAD v4.1: 37 of 1,614,110 alleles (0.0023%); highest among the groups gnomAD compares: East Asian, 0.0089%; no homozygotes.

Submissions (3):

GeneDx
Classification: Uncertain significance. Last evaluated: 2026-07-21. Review status: criteria provided, single submitter. Criteria: GeneDx Variant Classification Process June 2021. Collection method: clinical testing. Allele origin: germline.
Comment: In silico analysis supports that this missense variant has a deleterious effect on protein structure/function; This variant is associated with the following publications: (PMID: 37273692, 38034538)

Labcorp Genetics (formerly Invitae), Labcorp
Classification: Uncertain significance for Majeed syndrome. Last evaluated: 2022-07-22. Review status: criteria provided, single submitter. Criteria: Invitae Variant Classification Sherloc (09022015). Collection method: clinical testing. Allele origin: germline.
Comment: This sequence change replaces serine, which is neutral and polar, with leucine, which is neutral and non-polar, at codon 605 of the LPIN2 protein (p.Ser605Leu). This variant is present in population databases (rs781778980, gnomAD 0.006%). This variant has not been reported in the literature in individuals affected with LPIN2-related conditions. ClinVar contains an entry for this variant (Variation ID: 234340). Algorithms developed to predict the effect of missense changes on protein structure and function are either unavailable or do not agree on the potential impact of this missense change (SIFT: "Tolerated"; PolyPhen-2: "Possibly Damaging"; Align-GVGD: "Class C0"). In summary, the available evidence is currently insufficient to determine the role of this variant in disease. Therefore, it has been classified as a Variant of Uncertain Significance.

ARUP Laboratories, Molecular Genetics and Genomics, ARUP Laboratories
Classification: Uncertain significance. Last evaluated: 2016-09-04. Review status: criteria provided, single submitter. Criteria: ARUP Molecular Germline Variant Investigation Process. Collection method: clinical testing. Allele origin: germline.

NM_001375808.2(LPIN2):c.1814C>T (p.Ser605Leu)

Gene: LPIN2 (lipin 2; minus strand). Cytogenetic location: 18p11.31.
Variant type: single nucleotide variant.
Coding change: c.1814C>T on transcript NM_001375808.2 (MANE Select); coding-DNA position 1814, C replaced by T.
Protein change: p.Ser605Leu; replaces serine 605 with leucine.
Molecular consequence: missense variant.
Genome position (GRCh38, 1-based): chr18:2,925,348, G>A on the plus strand (C>T on the coding strand, the complement: LPIN2 is on the minus strand). VCF-style: chr18-2925348-G-A. GRCh37 (hg19) VCF-style: chr18-2925346-G-A.
Other names: c.1814C>T, p.Ser605Leu (NM_001375809.1, NM_014646.2); short protein forms S605L.
Identifiers: ClinVar variation 234340 (VCV000234340.15), dbSNP rs781778980, ClinGen allele CA8872941.